The following is an entry in ClinVar:

ClinVar aggregate classification (germline): Benign/Likely benign. Review status: criteria provided, multiple submitters, no conflicts (2 of 4 stars). 6 submissions from 6 submitters: Benign (2); Likely benign (2). 2 of the submissions do not count toward it. Last evaluated 2026-01-28.

Conditions:
MPI-congenital disorder of glycosylation. Also called: MPI-CDG; CONGENITAL DISORDER OF GLYCOSYLATION, TYPE Ib; MPI DEFICIENCY; CDG Ib; PROTEIN-LOSING ENTEROPATHY-HEPATIC FIBROSIS SYNDROME; MANNOSEPHOSPHATE ISOMERASE DEFICIENCY. Identifiers: Orphanet 79319, MedGen C1865145, MONDO:0011257, OMIM 602579.
MPI-related disorder. Also called: MPI-related condition.

Allele frequency attached by ClinVar (database versions not stated): ESP Exome Variant Server 0.00015; gnomAD 0.00031 and 0.00054; gnomAD exomes 0.00052 and 0.00095; TOPMed 0.00059; ExAC 0.00098; 1000 Genomes Project 30x 0.00281; 1000 Genomes Project 0.00300.
gnomAD v4.1: 867 of 1,614,230 alleles (0.054%); highest among the groups gnomAD compares: East Asian, 1.7%; 11 homozygotes.

Submissions (6):

Labcorp Genetics (formerly Invitae), Labcorp
Classification: Benign for MPI-congenital disorder of glycosylation. Last evaluated: 2026-01-28. Review status: criteria provided, single submitter. Criteria: Invitae Variant Classification Sherloc (09022015). Collection method: clinical testing. Allele origin: germline.

PreventionGenetics, part of Exact Sciences
Classification: Benign for MPI-related condition. Last evaluated: 2025-12-26. Review status: criteria provided, single submitter. Criteria: ACMG Guidelines, 2015. Collection method: clinical testing. Allele origin: germline.
Comment: This variant is classified as benign based on ACMG/AMP sequence variant interpretation guidelines (Richards et al. 2015 PMID: 25741868, with internal and published modifications).

GeneDx
Classification: Likely benign. Last evaluated: 2021-01-22. Review status: criteria provided, single submitter. Criteria: GeneDx Variant Classification Process June 2021. Collection method: clinical testing. Allele origin: germline. Affected: yes.

Illumina Laboratory Services, Illumina
Classification: Likely benign for MPI-congenital disorder of glycosylation. Last evaluated: 2018-01-13. Review status: criteria provided, single submitter. Criteria: ICSL Variant Classification Criteria 13 December 2019. Collection method: clinical testing. Allele origin: germline.
Comment: This variant was observed in the ICSL laboratory as part of a predisposition screen in an ostensibly healthy population. It had not been previously curated by ICSL or reported in the Human Gene Mutation Database (HGMD: prior to June 1st, 2018), and was therefore a candidate for classification through an automated scoring system. Utilizing variant allele frequency, disease prevalence and penetrance estimates, and inheritance mode, an automated score was calculated to assess if this variant is too frequent to cause the disease. Based on the score and internal cut-off values, a variant classified as likely benign is not then subjected to further curation. The score for this variant resulted in a classification of likely benign for this disease.

Genetic Services Laboratory, University of Chicago
Classification: Likely benign. Last evaluated: 2022-12-27. Review status: no assertion criteria provided. Collection method: clinical testing. Allele origin: germline. Affected: no. Not counted in ClinVar's aggregate classification.

Natera, Inc.
Classification: Benign for Congenital disorder of glycosylation type 1b. Last evaluated: 2020-09-16. Review status: no assertion criteria provided. Collection method: clinical testing. Allele origin: germline. Not counted in ClinVar's aggregate classification.

NM_002435.3(MPI):c.214A>C (p.Ser72Arg)

Gene: MPI (mannose phosphate isomerase; plus strand). Cytogenetic location: 15q24.1.
Variant type: single nucleotide variant.
Coding change: c.214A>C on transcript NM_002435.3 (MANE Select); coding-DNA position 214, A replaced by C.
Protein change: p.Ser72Arg; replaces serine 72 with arginine.
Molecular consequence: missense variant.
Genome position (GRCh38, 1-based): chr15:74,891,448, A>C. VCF-style: chr15-74891448-A-C. GRCh37 (hg19) VCF-style: chr15-75183789-A-C.
Other names: c.214A>C, p.Ser72Arg (NM_001289155.2, NM_001289157.2); c.64A>C, p.Ser22Arg (NM_001289156.2); c.154A>C, p.Ser52Arg (NM_001330372.2); short protein forms S72R, S22R, S52R.
Identifiers: ClinVar variation 585033 (VCV000585033.21), dbSNP rs146699267, ClinGen allele CA7662393.